The following is an entry in ClinVar:

NM_000448.3(RAG1):c.1010del (p.Pro337fs)

Gene: RAG1 (recombination activating 1; plus strand). Cytogenetic location: 11p12.
Variant type: Deletion.
Coding change: c.1010del on transcript NM_000448.3 (MANE Select); coding-DNA position 1010, one base deleted (C; older notation c.1010delC).
Protein change: p.Pro337fs; shifts the reading frame from proline 337.
Molecular consequence: frameshift variant.
Genome position (GRCh38, 1-based): chr11:36,574,314, C deleted; the last of 3 consecutive C bases (chr11:36,574,312-36,574,314); deleting any one gives the same sequence. VCF-style (leftmost placement, unchanged base first): chr11-36574311-TC-T. GRCh37 (hg19) VCF-style: chr11-36595861-TC-T.
Other names: c.1010del, p.Pro337fs (NM_001377277.1, NM_001377278.1, NM_001377279.1 and 1 more transcripts); short protein forms P337fs.
Identifiers: ClinVar variation 2939644 (VCV002939644.3), dbSNP rs2494754161, ClinGen allele CA2740093699.

ClinVar aggregate classification (germline): Pathogenic (1 of 4 stars; one submission).

Conditions:
Severe combined immunodeficiency, autosomal recessive, T cell-negative, B cell-negative, NK cell-positive. Also called: SCID, T CELL-NEGATIVE, B CELL-NEGATIVE, NK CELL-POSITIVE; SCID, AR, T-cell negative, B-cell negative, NK cell-positive; Severe combined immunodeficiency due to complete RAG1/2 deficiency. Identifiers: Orphanet 331206, MedGen C1832322, MONDO:0011086, OMIM 601457.
Combined immunodeficiency with skin granulomas. Identifiers: Orphanet 157949, MedGen C2673536, MONDO:0009306, OMIM 233650.

Submission:

Labcorp Genetics (formerly Invitae), Labcorp
Classification: Pathogenic for Combined immunodeficiency with skin granulomas; Severe combined immunodeficiency, autosomal recessive, T cell-negative, B cell-negative, NK cell-positive. Last evaluated: 2023-03-26. Review status: criteria provided, single submitter. Criteria: Invitae Variant Classification Sherloc (09022015). Collection method: clinical testing. Allele origin: germline.
Comment: This variant has not been reported in the literature in individuals affected with RAG1-related conditions. This variant disrupts a region of the RAG1 protein in which other variant(s) (p.Lys992Glu) have been determined to be pathogenic (PMID: 11313270, 18442948, 24290284). This suggests that this is a clinically significant region of the protein, and that variants that disrupt it are likely to be disease-causing. For these reasons, this variant has been classified as Pathogenic. This variant is not present in population databases (gnomAD no frequency). This sequence change creates a premature translational stop signal (p.Pro337Leufs*8) in the RAG1 gene. While this is not anticipated to result in nonsense mediated decay, it is expected to disrupt the last 707 amino acid(s) of the RAG1 protein.

Literature cited by the submitters: PubMed 11313270; PubMed 18442948; PubMed 24290284.